The following is an entry in ClinVar:

NM_001379500.1(COL18A1):c.107-12395A>G

Gene: COL18A1 (collagen type XVIII alpha 1 chain; plus strand). Cytogenetic location: 21q22.3.
Variant type: single nucleotide variant.
Coding change: c.107-12395A>G on transcript NM_001379500.1 (MANE Select); 12395 bases into the intron before coding-DNA position 107, A replaced by G.
Molecular consequence: intron variant. On other transcripts: missense variant (2).
Genome position (GRCh38, 1-based): chr21:45,455,847, A>G. VCF-style: chr21-45455847-A-G. GRCh37 (hg19) VCF-style: chr21-46875761-A-G.
Other names: c.317A>G, p.Asn106Ser (NM_030582.4, NM_130444.3); short protein forms N106S.
Identifiers: ClinVar variation 1447630 (VCV001447630.6), dbSNP rs2145851797, ClinGen allele CA410505583.

ClinVar aggregate classification (germline): Uncertain significance (1 of 4 stars; one submission).

Submission:

Labcorp Genetics (formerly Invitae), Labcorp
Classification: Uncertain significance. Last evaluated: 2021-05-19. Review status: criteria provided, single submitter. Criteria: Invitae Variant Classification Sherloc (09022015). Collection method: clinical testing. Allele origin: germline.
Comment: In summary, the available evidence is currently insufficient to determine the role of this variant in disease. Therefore, it has been classified as a Variant of Uncertain Significance. Experimental studies and prediction algorithms are not available or were not evaluated, and the functional significance of this variant is currently unknown. This variant has not been reported in the literature in individuals with COL18A1-related conditions. This variant is not present in population databases (ExAC no frequency). This sequence change replaces asparagine with serine at codon 106 of the COL18A1 protein (p.Asn106Ser)). The COL18A1 gene has multiple clinically relevant transcripts. This variant occurs in alternate transcript NM_030582.4, and corresponds to NM_130445.2:c.107-12395A>G in the primary transcript.